The following is an entry in ClinVar:

ClinVar aggregate classification (germline): Pathogenic (1 of 4 stars; one submission).

Conditions:
Deficiency of galactokinase. Also called: GALACTOSEMIA II; Galactokinase deficiency with cataracts. Identifiers: Orphanet 352, Orphanet 79237, MedGen C0268155, MONDO:0009255, OMIM 230200.

Submission:

Myriad Genetics, Inc.
Classification: Pathogenic for Deficiency of galactokinase. Last evaluated: 2026-08-06. Review status: criteria provided, single submitter. Criteria: Myriad Autosomal Dominant, Autosomal Recessive and X-Linked Classification Criteria (2023). Collection method: clinical testing. Allele origin: unknown.
Comment: NM_000154.1(GALK1):c.222dupT(L75Sfs*6) is expected to be pathogenic in the context of galactokinase deficiency. This variant is predicted to lead to an abnormal or absent protein product due to the creation of a premature termination codon in GALK1, a gene where loss-of-function variants are known to be pathogenic. Please note: this variant was assessed in the context of healthy population screening.

NM_000154.2(GALK1):c.222dup (p.Leu75fs)

Gene: GALK1 (galactokinase 1; minus strand). Cytogenetic location: 17q25.1.
Variant type: Duplication.
Coding change: c.222dup on transcript NM_000154.2 (MANE Select); coding-DNA position 222, one base duplicated (T; older notation c.222dupT).
Protein change: p.Leu75fs; shifts the reading frame from leucine 75.
Molecular consequence: frameshift variant.
Genome position (GRCh38, 1-based): chr17:75,764,030, A duplicated on the plus strand (T on the coding strand, the reverse complement: GALK1 is on the minus strand). VCF-style (leftmost placement, unchanged base first): chr17-75764029-G-GA. GRCh37 (hg19) VCF-style: chr17-73760110-G-GA.
Other names: c.222dup, p.Leu75fs (NM_001381985.1); short protein forms L75fs.
Identifiers: ClinVar variation 5016204 (VCV005016204.1).